The following is an entry in ClinVar:

ClinVar aggregate classification (germline): Uncertain significance (1 of 4 stars; one submission).

Submission:

GeneDx
Classification: Uncertain significance. Last evaluated: 2019-07-08. Review status: criteria provided, single submitter. Criteria: GeneDx Variant Classification Process June 2021. Collection method: clinical testing. Allele origin: germline. Affected: yes.
Comment: Not observed in large population cohorts (Lek et al., 2016); In silico analysis, which includes protein predictors and evolutionary conservation, supports that this variant does not alter protein structure/function; Has not been previously published as pathogenic or benign to our knowledge

NM_002506.3(NGF):c.504T>A (p.Ser168Arg)

Genes: NGF (nerve growth factor; minus strand), NGF-AS1 (NGF antisense RNA 1; plus strand). Cytogenetic location: 1p13.2.
Variant type: single nucleotide variant.
Coding change: c.504T>A on transcript NM_002506.3 (MANE Select); coding-DNA position 504, T replaced by A.
Protein change: p.Ser168Arg; replaces serine 168 with arginine.
Molecular consequence: missense variant.
Genome position (GRCh38, 1-based): chr1:115,286,292, A>T on the plus strand (T>A on the coding strand, the complement: NGF is on the minus strand). VCF-style: chr1-115286292-A-T. GRCh37 (hg19) VCF-style: chr1-115828913-A-T.
Other names: short protein forms S168R.
Identifiers: ClinVar variation 1302230 (VCV001302230.2), dbSNP rs745359909, ClinGen allele CA341836406.
Genomic context (GRCh38, chr1:115,286,292, plus strand): 5'-CCCGCTGTCAACGGGATTTGGGTCCCGGCACTTGGTCTCAAAAAAGTACTGTTTGAATAC[A>T]CTGTTGTTAATGTTCACCTCTCCCAACACCATCACCTCCTTGCCCTTGATGTCTGTGGCG-3'
Protein context (NP_002497.2, residues 158-178): MVLGEVNINN[Ser168Arg]VFKQYFFETK